The following is an entry in ClinVar:

ClinVar aggregate classification (germline): Likely pathogenic (1 of 4 stars; one submission).

Conditions:
Very long chain acyl-CoA dehydrogenase deficiency (ACADVLD). Also called: Very Long-Chain Acyl-Coenzyme A Dehydrogenase Deficiency; VLCAD Deficiency. Identifiers: Orphanet 26793, MedGen C3887523, MONDO:0008723, OMIM 201475.

Submission:

Natera, Inc.
Classification: Likely pathogenic for Very long chain acyl-CoA dehydrogenase deficiency. Last evaluated: 2025-06-12. Review status: criteria provided, single submitter. Criteria: Natera Variant Classification Schema (03/2026). Collection method: clinical testing. Allele origin: germline.
Comment: The c.1786del variant in ACADVL is a frameshift variant predicted to elongate the protein beyond the termination codon. This variant is expected to result in nonsense mediated decay, truncation, or a dysfunctional protein product. This variant is rare in the general population with a frequency below the threshold expected for the associated phenotype(s). Given the available evidence, this variant is classified as Likely Pathogenic.

NM_000018.4(ACADVL):c.1786del (p.Ala596fs)

Gene: ACADVL (acyl-CoA dehydrogenase very long chain; plus strand). Cytogenetic location: 17p13.1.
Variant type: Deletion.
Coding change: c.1786del on transcript NM_000018.4 (MANE Select); coding-DNA position 1786, one base deleted (G; older notation c.1786delG).
Protein change: p.Ala596fs; shifts the reading frame from alanine 596.
Molecular consequence: frameshift variant.
Genome position (GRCh38, 1-based): chr17:7,224,843, G deleted; the last of 2 consecutive G bases (chr17:7,224,842-7,224,843); deleting either gives the same sequence. VCF-style (leftmost placement, unchanged base first): chr17-7224841-CG-C. GRCh37 (hg19) VCF-style: chr17-7128160-CG-C.
Other names: c.1720del, p.Ala574fs (NM_001033859.3); c.1855del, p.Ala619fs (NM_001270447.2); c.1558del, p.Ala520fs (NM_001270448.2); short protein forms A520fs, A574fs, A596fs, A619fs.
Identifiers: ClinVar variation 4817372 (VCV004817372.1).